The following is an entry in ClinVar:

ClinVar aggregate classification (germline): Uncertain significance (1 of 4 stars; one submission).

Allele frequency attached by ClinVar (database versions not stated): gnomAD 0.00003; gnomAD exomes 0.00003; ExAC 0.00004.
gnomAD v4.1: 44 of 1,550,492 alleles (0.0028%); highest among the groups gnomAD compares: African/African-American, 0.0069%; no homozygotes.

Submission:

GeneDx
Classification: Uncertain significance. Last evaluated: 2023-02-13. Review status: criteria provided, single submitter. Criteria: GeneDx Variant Classification Process June 2021. Collection method: clinical testing. Allele origin: germline. Affected: yes.
Comment: Not observed at significant frequency in large population cohorts (gnomAD); In silico analysis supports that this missense variant has a deleterious effect on protein structure/function; Has not been previously published as pathogenic or benign to our knowledge

NM_001145026.2(PTPRQ):c.6268G>A (p.Val2090Met)

Gene: PTPRQ (protein tyrosine phosphatase receptor type Q; plus strand). Cytogenetic location: 12q21.31.
Variant type: single nucleotide variant.
Coding change: c.6268G>A on transcript NM_001145026.2 (MANE Select); coding-DNA position 6268, G replaced by A.
Protein change: p.Val2090Met; replaces valine 2090 with methionine.
Molecular consequence: missense variant.
Genome position (GRCh38, 1-based): chr12:80,669,082, G>A. VCF-style: chr12-80669082-G-A. GRCh37 (hg19) VCF-style: chr12-81062861-G-A.
Other names: short protein forms V2090M.
Identifiers: ClinVar variation 2575699 (VCV002575699.1), dbSNP rs774012583, ClinGen allele CA6702932.